The following is an entry in ClinVar:

NM_000038.6(APC):c.6991C>G (p.Pro2331Ala)

Gene: APC (APC regulator of Wnt signaling pathway; plus strand). Cytogenetic location: 5q22.2.
Variant type: single nucleotide variant.
Coding change: c.6991C>G on transcript NM_000038.6 (MANE Select); coding-DNA position 6991, C replaced by G.
Protein change: p.Pro2331Ala; replaces proline 2331 with alanine.
Molecular consequence: missense variant.
Genome position (GRCh38, 1-based): chr5:112,842,585, C>G. VCF-style: chr5-112842585-C-G. GRCh37 (hg19) VCF-style: chr5-112178282-C-G.
Other names: c.6991C>G, p.Pro2331Ala (NM_001127510.3, NM_001354895.2); c.6937C>G, p.Pro2313Ala (NM_001127511.3); c.7045C>G, p.Pro2349Ala (NM_001354896.2); c.7021C>G, p.Pro2341Ala (NM_001354897.2); c.6916C>G, p.Pro2306Ala (NM_001354898.2); c.6907C>G, p.Pro2303Ala (NM_001354899.2); c.6868C>G, p.Pro2290Ala (NM_001354900.2); c.6814C>G, p.Pro2272Ala (NM_001354901.2); and 5 more; short protein forms P2313A, P2331A, P2306A, P2205A, P2230A, P2240A, P2272A, P2171A.
Identifiers: ClinVar variation 490352 (VCV000490352.14), dbSNP rs1554087893, ClinGen allele CA16036571.

ClinVar aggregate classification (germline): Uncertain significance. Review status: criteria provided, multiple submitters, no conflicts (2 of 4 stars). 2 submissions from 2 submitters: Uncertain significance (2). Last evaluated 2023-12-04.

Conditions:
Familial adenomatous polyposis 1 (FAP1). Also called: POLYPOSIS, ADENOMATOUS INTESTINAL; FAMILIAL ADENOMATOUS POLYPOSIS 1, ATTENUATED. Identifiers: MedGen C2713442, MONDO:0021056, OMIM 175100. Disease mechanism: loss of function.
Hereditary cancer-predisposing syndrome. Also called: Hereditary Cancer Syndrome; Neoplastic Syndromes, Hereditary; Tumor predisposition; Hereditary neoplastic syndrome. Identifiers: Orphanet 140162, MedGen C0027672, MeSH D009386, MONDO:0015356.

Submissions (2):

Color Diagnostics, LLC DBA Color Health
Classification: Uncertain significance for Hereditary cancer-predisposing syndrome. Last evaluated: 2023-12-04. Review status: criteria provided, single submitter. Criteria: ACMG Guidelines, 2015. Collection method: clinical testing. Allele origin: germline.
Comment: This missense variant replaces proline with alanine at codon 2331 of the APC protein. Computational prediction is inconclusive regarding the impact of this variant on protein structure and function (internally defined REVEL score threshold 0.5 < inconclusive < 0.7, PMID: 27666373). To our knowledge, functional studies have not been reported for this variant. This variant has not been reported in individuals affected with APC-related disorders in the literature. This variant has not been identified in the general population by the Genome Aggregation Database (gnomAD). The available evidence is insufficient to determine the role of this variant in disease conclusively. Therefore, this variant is classified as a Variant of Uncertain Significance.

Labcorp Genetics (formerly Invitae), Labcorp
Classification: Uncertain significance for Familial adenomatous polyposis 1. Last evaluated: 2021-06-01. Review status: criteria provided, single submitter. Criteria: Invitae Variant Classification Sherloc (09022015). Collection method: clinical testing. Allele origin: germline.
Comment: In summary, the available evidence is currently insufficient to determine the role of this variant in disease. Therefore, it has been classified as a Variant of Uncertain Significance. Algorithms developed to predict the effect of missense changes on protein structure and function are either unavailable or do not agree on the potential impact of this missense change (SIFT: "Tolerated"; PolyPhen-2: "Probably Damaging"; Align-GVGD: "Class C0"). This variant has not been reported in the literature in individuals with APC-related conditions. ClinVar contains an entry for this variant (Variation ID: 490352). This variant is not present in population databases (ExAC no frequency). This sequence change replaces proline with alanine at codon 2331 of the APC protein (p.Pro2331Ala). The proline residue is highly conserved and there is a small physicochemical difference between proline and alanine.